The following is an entry in ClinVar:

NM_001080517.3(SETD5):c.71+651C>T

Gene: SETD5 (SET domain containing 5; plus strand). Cytogenetic location: 3p25.3.
Variant type: single nucleotide variant.
Coding change: c.71+651C>T on transcript NM_001080517.3 (MANE Select); 651 bases into the intron after coding-DNA position 71, C replaced by T.
Molecular consequence: intron variant.
Genome position (GRCh38, 1-based): chr3:9,429,660, C>T. VCF-style: chr3-9429660-C-T. GRCh37 (hg19) VCF-style: chr3-9471344-C-T.
Other names: c.71+651C>T (NM_001437643.1, NM_001437633.1, NM_001437635.1 and 1 more transcripts); c.-528-167C>T (NM_001349451.2); c.-487-167C>T (NM_001292043.2).
Identifiers: ClinVar variation 4874164 (VCV004874164.2).

ClinVar aggregate classification (germline): Likely benign (1 of 4 stars; one submission).

gnomAD v4.1: 1 of 152,124 alleles (0.00066%); highest among the groups gnomAD compares: Non-Finnish European, 0.0015%; no homozygotes.

Submission:

CeGaT Center for Human Genetics Tuebingen
Classification: Likely benign. Last evaluated: 2026-04-01. Review status: criteria provided, single submitter. Criteria: CeGaT Center For Human Genetics Tuebingen Variant Classification Criteria Version 2. Collection method: clinical testing. Allele origin: germline. Affected: yes. Observed: 1 variant allele.
Comment: SETD5: BP4, BP7